The following is an entry in ClinVar:

ClinVar aggregate classification (germline): Uncertain significance (1 of 4 stars; one submission).

Submission:

GeneDx
Classification: Uncertain significance. Last evaluated: 2025-07-06. Review status: criteria provided, single submitter. Criteria: GeneDx Variant Classification Process June 2021. Collection method: clinical testing. Allele origin: germline. Affected: yes.
Comment: Not observed at significant frequency in large population cohorts (gnomAD); In silico analysis suggests that this missense variant does not alter protein structure/function; Has not been previously published as pathogenic or benign to our knowledge

NM_032217.5(ANKRD17):c.4807T>G (p.Ser1603Ala)

Gene: ANKRD17 (ankyrin repeat domain 17; minus strand). Cytogenetic location: 4q13.3.
Variant type: single nucleotide variant.
Coding change: c.4807T>G on transcript NM_032217.5 (MANE Select); coding-DNA position 4807, T replaced by G.
Protein change: p.Ser1603Ala; replaces serine 1603 with alanine.
Molecular consequence: missense variant.
Genome position (GRCh38, 1-based): chr4:73,098,287, A>C on the plus strand (T>G on the coding strand, the complement: ANKRD17 is on the minus strand). VCF-style: chr4-73098287-A-C. GRCh37 (hg19) VCF-style: chr4-73964004-A-C.
Other names: c.4468T>G, p.Ser1490Ala (NM_001286771.3); c.4804T>G, p.Ser1602Ala (NM_015574.2); c.4054T>G, p.Ser1352Ala (NM_198889.3); short protein forms S1352A, S1490A, S1602A, S1603A.
Identifiers: ClinVar variation 4686802 (VCV004686802.1).
Genomic context (GRCh38, chr4:73,098,287, plus strand): 5'-TGCAGCTGGAAATCCTCATGTTATCACTGTCCCCACTCTCGCTGGTACTGCTGCTCTTGG[A>C]CTCTCCATTCACCTTCTCTGGCTGACTGTATGAAATTGGTAGTGGATCATCAAATATAAT-3'
Protein context (NP_115593.3, residues 1593-1613): YSQPEKVNGE[Ser1603Ala]KSSSTSESGD